The following is an entry in ClinVar:

ClinVar aggregate classification (germline): Uncertain significance (1 of 4 stars; one submission).

Conditions:
Tuberous sclerosis 2 (TSC2). Identifiers: Orphanet 805, MedGen C1860707, MONDO:0013199, OMIM 613254.

Submission:

Labcorp Genetics (formerly Invitae), Labcorp
Classification: Uncertain significance for Tuberous sclerosis 2. Last evaluated: 2019-04-19. Review status: criteria provided, single submitter. Criteria: Invitae Variant Classification Sherloc (09022015). Collection method: clinical testing. Allele origin: germline.
Comment: This variant has not been reported in the literature in individuals with TSC2-related conditions. This variant is not present in population databases (ExAC no frequency). This sequence change replaces phenylalanine with leucine at codon 724 of the TSC2 protein (p.Phe724Leu). The phenylalanine residue is weakly conserved and there is a small physicochemical difference between phenylalanine and leucine. Algorithms developed to predict the effect of missense changes on protein structure and function (SIFT, PolyPhen-2, Align-GVGD) all suggest that this variant is likely to be tolerated, but these predictions have not been confirmed by published functional studies and their clinical significance is uncertain. In summary, the available evidence is currently insufficient to determine the role of this variant in disease. Therefore, it has been classified as a Variant of Uncertain Significance.

NM_000548.5(TSC2):c.2170T>C (p.Phe724Leu)

Gene: TSC2 (TSC complex subunit 2; plus strand). Cytogenetic location: 16p13.3.
Variant type: single nucleotide variant.
Coding change: c.2170T>C on transcript NM_000548.5 (MANE Select); coding-DNA position 2170, T replaced by C.
Protein change: p.Phe724Leu; replaces phenylalanine 724 with leucine.
Molecular consequence: missense variant.
Genome position (GRCh38, 1-based): chr16:2,072,313, T>C. VCF-style: chr16-2072313-T-C. GRCh37 (hg19) VCF-style: chr16-2122314-T-C.
Other names: c.2170T>C, p.Phe724Leu (NM_001077183.3, NM_001114382.3, NM_001363528.2 and 3 more transcripts); c.2059T>C, p.Phe687Leu (NM_001318827.2); c.2023T>C, p.Phe675Leu (NM_001318829.2); c.1570T>C, p.Phe524Leu (NM_001318831.2); c.2203T>C, p.Phe735Leu (NM_001318832.2); short protein forms F524L, F675L, F687L, F724L, F735L.
Identifiers: ClinVar variation 853498 (VCV000853498.9), dbSNP rs2088577923, ClinGen allele CA394274897.